The following is an entry in ClinVar:

NM_178822.5(IGSF10):c.1372A>G (p.Ile458Val)

Gene: IGSF10 (immunoglobulin superfamily member 10; minus strand). Cytogenetic location: 3q25.1.
Variant type: single nucleotide variant.
Coding change: c.1372A>G on transcript NM_178822.5 (MANE Select); coding-DNA position 1372, A replaced by G.
Protein change: p.Ile458Val; replaces isoleucine 458 with valine.
Molecular consequence: missense variant.
Genome position (GRCh38, 1-based): chr3:151,448,609, T>C on the plus strand (A>G on the coding strand, the complement: IGSF10 is on the minus strand). VCF-style: chr3-151448609-T-C. GRCh37 (hg19) VCF-style: chr3-151166397-T-C.
Other names: c.1372A>G (NM_178822.4); c.1372A>G, p.Ile458Val (NM_001385060.1, NM_001385061.1, NM_001385062.1 and 1 more transcripts); short protein forms I458V.
Identifiers: ClinVar variation 2060894 (VCV002060894.6), dbSNP rs78861718, ClinGen allele CA2670560.

ClinVar aggregate classification (germline): Benign. Review status: criteria provided, single submitter (1 of 4 stars). 2 submissions from 2 submitters: Benign (1). 1 of the submissions does not count toward it. Last evaluated 2025-03-17.

Conditions:
IGSF10-related disorder. Also called: IGSF10-related condition.

Allele frequency attached by ClinVar (database versions not stated): TOPMed 0.00056; gnomAD 0.00069; gnomAD exomes 0.00075; ExAC 0.00096; 1000 Genomes Project 30x 0.00281; 1000 Genomes Project 0.00319.
gnomAD v4.1: 1,178 of 1,614,116 alleles (0.073%); highest among the groups gnomAD compares: East Asian, 2.6%; 20 homozygotes.

Submissions (2):

Labcorp Genetics (formerly Invitae), Labcorp
Classification: Benign. Last evaluated: 2025-03-17. Review status: criteria provided, single submitter. Criteria: Invitae Variant Classification Sherloc (09022015). Collection method: clinical testing. Allele origin: germline.

PreventionGenetics, part of Exact Sciences
Classification: Benign for IGSF10-related condition. Last evaluated: 2019-10-28. Review status: no assertion criteria provided. Collection method: clinical testing. Allele origin: germline. Not counted in ClinVar's aggregate classification.
Comment: This variant is classified as benign based on ACMG/AMP sequence variant interpretation guidelines (Richards et al. 2015 PMID: 25741868, with internal and published modifications).